The following is an entry in ClinVar:

NM_000059.4(BRCA2):c.9577A>G (p.Thr3193Ala)

Gene: BRCA2 (BRCA2 DNA repair associated; plus strand). Cytogenetic location: 13q13.1.
Variant type: single nucleotide variant.
Coding change: c.9577A>G on transcript NM_000059.4 (MANE Select); coding-DNA position 9577, A replaced by G.
Protein change: p.Thr3193Ala; replaces threonine 3193 with alanine.
Molecular consequence: missense variant.
Genome position (GRCh38, 1-based): chr13:32,396,973, A>G. VCF-style: chr13-32396973-A-G. GRCh37 (hg19) VCF-style: chr13-32971110-A-G.
Other names: short protein forms T3193A.
Identifiers: ClinVar variation 928796 (VCV000928796.14), dbSNP rs2073041117, ClinGen allele CA387763395.

ClinVar aggregate classification (germline): Uncertain significance. Review status: criteria provided, multiple submitters, no conflicts (2 of 4 stars). 5 submissions from 5 submitters: Uncertain significance (5). Last evaluated 2026-05-20.

Conditions:
Hereditary breast ovarian cancer syndrome. Also called: BRCA1- and BRCA2-Associated Hereditary Breast and Ovarian Cancer; Hereditary breast and/or ovarian cancer syndrome; Breast and ovarian cancer; Hereditary breast and ovarian cancer syndrome; Hereditary breast and ovarian cancer; Hereditary breast and ovarian cancer syndrome (HBOC). Identifiers: Orphanet 145, MedGen C0677776, MeSH D061325, MONDO:0003582. Disease mechanism: loss of function.
Hereditary cancer-predisposing syndrome. Also called: Neoplastic Syndromes, Hereditary; Hereditary neoplastic syndrome; Hereditary Cancer Syndrome; Tumor predisposition. Identifiers: Orphanet 140162, MedGen C0027672, MeSH D009386, MONDO:0015356.

Submissions (5):

Women's Health and Genetics/Laboratory Corporation of America, LabCorp
Classification: Uncertain significance. Last evaluated: 2026-05-20. Review status: criteria provided, single submitter. Criteria: LabCorp Variant Classification Summary - May 2015. Collection method: clinical testing. Allele origin: germline.
Comment: Variant summary: BRCA2 c.9577A>G (p.Thr3193Ala) results in a non-conservative amino acid change in the encoded protein sequence. Algorithms developed to predict the effect of missense changes on protein structure and function are either unavailable or do not agree on the potential impact of this missense change. The variant was absent in 251424 control chromosomes (gnomAD). The available data on variant occurrences in the general population are insufficient to allow any conclusion about variant significance. To our knowledge, no occurrence of c.9577A>G in individuals affected with BRCA2-related conditions and no experimental evidence demonstrating its impact on protein function have been reported. The following publication has been ascertained in the context of this evaluation (PMID: 23704879). ClinVar contains an entry for this variant (Variation ID: 928796). Based on the evidence outlined above, the variant was classified as uncertain significance.

Ambry Genetics
Classification: Uncertain significance for Hereditary cancer-predisposing syndrome. Last evaluated: 2024-08-20. Review status: criteria provided, single submitter. Criteria: Ambry Variant Classification Scheme 2023. Collection method: clinical testing. Allele origin: germline.
Comment: The p.T3193A variant (also known as c.9577A>G), located in coding exon 25 of the BRCA2 gene, results from an A to G substitution at nucleotide position 9577. The threonine at codon 3193 is replaced by alanine, an amino acid with similar properties. This amino acid position is not well conserved in available vertebrate species. In addition, this alteration is predicted to be tolerated by in silico analysis. Based on the available evidence, the clinical significance of this variant remains unclear.

Labcorp Genetics (formerly Invitae), Labcorp
Classification: Uncertain significance for Hereditary breast ovarian cancer syndrome. Last evaluated: 2023-12-12. Review status: criteria provided, single submitter. Criteria: Invitae Variant Classification Sherloc (09022015). Collection method: clinical testing. Allele origin: germline.
Comment: This sequence change replaces threonine, which is neutral and polar, with alanine, which is neutral and non-polar, at codon 3193 of the BRCA2 protein (p.Thr3193Ala). This variant is not present in population databases (gnomAD no frequency). This variant has not been reported in the literature in individuals affected with BRCA2-related conditions. ClinVar contains an entry for this variant (Variation ID: 928796). Advanced modeling of protein sequence and biophysical properties (such as structural, functional, and spatial information, amino acid conservation, physicochemical variation, residue mobility, and thermodynamic stability) performed at Invitae indicates that this missense variant is not expected to disrupt BRCA2 protein function with a negative predictive value of 95%. In summary, the available evidence is currently insufficient to determine the role of this variant in disease. Therefore, it has been classified as a Variant of Uncertain Significance.

Sema4
Classification: Uncertain significance for Hereditary cancer-predisposing syndrome. Last evaluated: 2021-10-25. Review status: criteria provided, single submitter. Criteria: Sema4 Curation Guidelines. Collection method: curation. Allele origin: germline.
Comment: To the best of our knowledge, the BRCA2 c.9577A>G (p.T3193A) variant has not been reported in individuals with BRCA2-related disease. It was not observed in the large and broad cohorts of the Genome Aggregation Database. The variant has been reported in ClinVar (Variation ID 928796). Functional studies have not been performed, and in silico predictions of the variant's effect on protein function are inconclusive. The evidence is insufficient to meet ACMG/AMP criteria for classifying the variant as benign or pathogenic. Thus, the clinical significance of this variant is currently uncertain.

GeneDx
Classification: Uncertain significance. Last evaluated: 2020-08-31. Review status: criteria provided, single submitter. Criteria: GeneDx Variant Classification Process June 2021. Collection method: clinical testing. Allele origin: germline. Affected: yes.
Comment: Not observed in large population cohorts (Lek 2016); In silico analysis supports that this missense variant does not alter protein structure/function; Has not been previously published as pathogenic or benign to our knowledge

Literature cited by the submitters: PubMed 23704879 (cited by Women's Health and Genetics/Laboratory Corporation of America, LabCorp).